The following is an entry in ClinVar:

NM_005120.3(MED12):c.100-2A>T

Gene: MED12 (mediator complex subunit 12; plus strand). Cytogenetic location: Xq13.1.
Variant type: single nucleotide variant.
Coding change: c.100-2A>T on transcript NM_005120.3 (MANE Select); the canonical splice acceptor site of the intron before coding-DNA position 100, A replaced by T.
Molecular consequence: splice acceptor variant.
Genome position (GRCh38, 1-based): chrX:71,119,371, A>T. VCF-style: chrX-71119371-A-T. GRCh37 (hg19) VCF-style: chrX-70339221-A-T.
Identifiers: ClinVar variation 1942459 (VCV001942459.5), dbSNP rs2147769775, ClinGen allele CA413498545.
Genomic context (GRCh38, chrX:71,119,371, plus strand): 5'-TCTCCCACCCCTTCCCCCTTCCCCTAAGGAAAAAACAACTAAACGCCGCTTTCCTGCCTC[A>T]GGATGAACTGACGGCCTTGAATGTAAAACAAGGTTTCAATAACCAGCCTGCTGTCTCTGG-3'

ClinVar aggregate classification (germline): Likely pathogenic (1 of 4 stars; one submission).

Conditions:
FG syndrome (FGS). Identifiers: MedGen C0220769, MONDO:0002010.

Submission:

Labcorp Genetics (formerly Invitae), Labcorp
Classification: Likely pathogenic for FG syndrome. Last evaluated: 2022-10-08. Review status: criteria provided, single submitter. Criteria: Invitae Variant Classification Sherloc (09022015). Collection method: clinical testing. Allele origin: germline.
Comment: This variant has not been reported in the literature in individuals affected with MED12-related conditions. This variant is not present in population databases (gnomAD no frequency). This sequence change affects an acceptor splice site in intron 1 of the MED12 gene. It is expected to disrupt RNA splicing. Variants that disrupt the donor or acceptor splice site typically lead to a loss of protein function (PMID: 16199547), and loss-of-function variants in MED12 are known to be pathogenic (PMID: 33244165, 33244166). In summary, the currently available evidence indicates that the variant is pathogenic, but additional data are needed to prove that conclusively. Therefore, this variant has been classified as Likely Pathogenic. Algorithms developed to predict the effect of sequence changes on RNA splicing suggest that this variant may disrupt the consensus splice site.

Literature cited by the submitters: PubMed 16199547; PubMed 33244165; PubMed 33244166.